The following is an entry in ClinVar:

NM_006005.3(WFS1):c.2398A>G (p.Lys800Glu)

Gene: WFS1 (wolframin ER transmembrane glycoprotein; plus strand). Cytogenetic location: 4p16.1.
Variant type: single nucleotide variant.
Coding change: c.2398A>G on transcript NM_006005.3 (MANE Select); coding-DNA position 2398, A replaced by G.
Protein change: p.Lys800Glu; replaces lysine 800 with glutamic acid.
Molecular consequence: missense variant.
Genome position (GRCh38, 1-based): chr4:6,302,193, A>G. VCF-style: chr4-6302193-A-G. GRCh37 (hg19) VCF-style: chr4-6303920-A-G.
Other names: p.K800E:AAG>GAG; c.2398A>G, p.Lys800Glu (NM_001145853.1); short protein forms K800E.
Identifiers: ClinVar variation 215400 (VCV000215400.61), dbSNP rs55674815, ClinGen allele CA321406.
Genomic context (GRCh38, chr4:6,302,193, plus strand): 5'-GGCATGCCATTCAGCAGCGGCGCTGACGGCTCGCGCAGCCGCGAGGAGGACGACGTCACC[A>G]AGGACATCGTGCTGCGGGCCAGCAGCGAGTTCAAGAGCGTGCTGCTCAGCCTGCGCCAGG-3'
Protein context (NP_005996.2, residues 790-810): SRSREEDDVT[Lys800Glu]DIVLRASSEF

ClinVar aggregate classification (germline): Conflicting classifications of pathogenicity. Review status: criteria provided, conflicting classifications (1 of 4 stars). 6 submissions from 6 submitters: Uncertain significance (5); Likely benign (1). Last evaluated 2025-11-03.

Allele frequency attached by ClinVar (database versions not stated): ExAC 0.00009; gnomAD exomes 0.00012 and 0.00023; gnomAD 0.00013 and 0.00014; TOPMed 0.00013; 1000 Genomes Project 30x 0.00031.

Submissions (6):

Labcorp Genetics (formerly Invitae), Labcorp
Classification: Likely benign. Last evaluated: 2025-11-03. Review status: criteria provided, single submitter. Criteria: Invitae Variant Classification Sherloc (09022015). Collection method: clinical testing. Allele origin: germline.

GeneDx
Classification: Uncertain significance. Last evaluated: 2024-09-03. Review status: criteria provided, single submitter. Criteria: GeneDx Variant Classification Process June 2021. Collection method: clinical testing. Allele origin: germline. Affected: yes.
Comment: Has not been previously published as pathogenic or benign to our knowledge; In silico analysis indicates that this missense variant does not alter protein structure/function; This variant is associated with the following publications: (PMID: 26435059)

Blueprint Genetics
Classification: Uncertain significance. Last evaluated: 2024-05-14. Review status: criteria provided, single submitter. Criteria: ACMG Guidelines, 2015. Collection method: clinical testing. Allele origin: germline.

CeGaT Center for Human Genetics Tuebingen
Classification: Uncertain significance. Last evaluated: 2018-06-01. Review status: criteria provided, single submitter. Criteria: CeGaT Center For Human Genetics Tuebingen Variant Classification Criteria Version 2. Collection method: clinical testing. Allele origin: germline. Affected: yes. Observed: 1 variant allele.

Eurofins Ntd Llc (ga)
Classification: Uncertain significance. Last evaluated: 2017-11-10. Review status: criteria provided, single submitter. Criteria: EGL Classification Definitions 2015. Collection method: clinical testing. Allele origin: germline. Observed: 1 variant allele, 1 heterozygote.

Laboratory for Molecular Medicine, Mass General Brigham Personalized Medicine
Classification: Uncertain significance. Last evaluated: 2015-06-23. Review status: criteria provided, single submitter. Criteria: LMM Criteria. Collection method: clinical testing. Allele origin: germline. Observed: 1 variant allele.
Comment: The p.Lys800Glu variant in WFS1 has not been previously reported in individuals with hearing loss, but has been identified in 10/63794 European chromosomes by t he Exome Aggregation Consortium (ExAC; dbSNP rs5 5674815). Although this variant has been seen in the general population, its fre quency is not high enough to rule out a pathogenic role. Computational predictio n tools and conservation analysis do not provide strong support for or against a n impact to the protein. In summary, the clinical significance of the p.Lys800Gl u variant is uncertain.